The following is an entry in ClinVar:

ClinVar aggregate classification (germline): Benign/Likely benign. Review status: criteria provided, multiple submitters, no conflicts (2 of 4 stars). 7 submissions from 7 submitters: Benign (3); Likely benign (2). 2 of the submissions do not count toward it. Last evaluated 2026-09-01.

Conditions:
Inborn genetic diseases. Identifiers: MedGen C0950123, MeSH D030342.
CC2D1A-related disorder. Also called: CC2D1A-related condition.
Intellectual developmental disorder, autosomal recessive 3. Also called: Intellectual disability, autosomal recessive 3. Identifiers: Orphanet 88616, MedGen C1838023, MONDO:0012037, OMIM 608443.

Allele frequency attached by ClinVar (database versions not stated): 1000 Genomes Project 30x 0.00281; 1000 Genomes Project 0.00300; TOPMed 0.00646; gnomAD exomes 0.00659 and 0.01077; ExAC 0.00669; gnomAD 0.00672 and 0.00691; ESP Exome Variant Server 0.00862.
gnomAD v4.1: 16,610 of 1,614,202 alleles (1%); highest among the groups gnomAD compares: Non-Finnish European, 1.3%; 106 homozygotes.

Submissions (7):

CeGaT Center for Human Genetics Tuebingen
Classification: Benign. Last evaluated: 2026-09-01. Review status: criteria provided, single submitter. Criteria: CeGaT Center For Human Genetics Tuebingen Variant Classification Criteria Version 2. Collection method: clinical testing. Allele origin: germline. Affected: yes. Observed: 42 variant alleles.
Comment: CC2D1A: BP4, BS1, BS2

Labcorp Genetics (formerly Invitae), Labcorp
Classification: Benign. Last evaluated: 2026-02-02. Review status: criteria provided, single submitter. Criteria: Invitae Variant Classification Sherloc (09022015). Collection method: clinical testing. Allele origin: germline.

Ambry Genetics
Classification: Benign for Inborn genetic diseases. Last evaluated: 2022-03-17. Review status: criteria provided, single submitter. Criteria: Ambry Variant Classification Scheme 2023. Collection method: clinical testing. Allele origin: germline.

Fulgent Genetics
Classification: Likely benign for Intellectual developmental disorder, autosomal recessive 3. Last evaluated: 2021-09-29. Review status: criteria provided, single submitter. Criteria: ACMG Guidelines, 2015. Collection method: clinical testing. Allele origin: unknown.

Breakthrough Genomics
Classification: Likely benign. Review status: criteria provided, single submitter. Criteria: ACMG Guidelines, 2015. Collection method: not provided. Allele origin: germline. Inheritance: Autosomal recessive inheritance. Affected: yes.

PreventionGenetics, part of Exact Sciences
Classification: Benign for CC2D1A-related condition. Last evaluated: 2019-06-21. Review status: no assertion criteria provided. Collection method: clinical testing. Allele origin: germline. Not counted in ClinVar's aggregate classification.
Comment: This variant is classified as benign based on ACMG/AMP sequence variant interpretation guidelines (Richards et al. 2015 PMID: 25741868, with internal and published modifications).

Genetic Services Laboratory, University of Chicago
Classification: Likely benign for AllHighlyPenetrant. Review status: no assertion criteria provided. Collection method: clinical testing. Allele origin: germline. Inheritance: Autosomal recessive inheritance. Not counted in ClinVar's aggregate classification.
Comment: Likely benign based on allele frequency in 1000 Genomes Project or ESP global frequency and its presence in a patient with a rare or unrelated disease phenotype. NOT Sanger confirmed.

NM_017721.5(CC2D1A):c.566C>T (p.Ala189Val)

Gene: CC2D1A (coiled-coil and C2 domain containing 1A; plus strand). Cytogenetic location: 19p13.12.
Variant type: single nucleotide variant.
Coding change: c.566C>T on transcript NM_017721.5 (MANE Select); coding-DNA position 566, C replaced by T.
Protein change: p.Ala189Val; replaces alanine 189 with valine.
Molecular consequence: missense variant.
Genome position (GRCh38, 1-based): chr19:13,913,456, C>T. VCF-style: chr19-13913456-C-T. GRCh37 (hg19) VCF-style: chr19-14024269-C-T.
Other names: short protein forms A189V.
Identifiers: ClinVar variation 128623 (VCV000128623.45), dbSNP rs61740117, ClinGen allele CA152202.